The following is an entry in ClinVar:

NM_005633.4(SOS1):c.2279C>T (p.Thr760Ile)

Gene: SOS1 (SOS Ras/Rac guanine nucleotide exchange factor 1; minus strand). Cytogenetic location: 2p22.1.
Variant type: single nucleotide variant.
Coding change: c.2279C>T on transcript NM_005633.4 (MANE Select); coding-DNA position 2279, C replaced by T.
Protein change: p.Thr760Ile; replaces threonine 760 with isoleucine.
Molecular consequence: missense variant.
Genome position (GRCh38, 1-based): chr2:39,012,237, G>A on the plus strand (C>T on the coding strand, the complement: SOS1 is on the minus strand). VCF-style: chr2-39012237-G-A. GRCh37 (hg19) VCF-style: chr2-39239378-G-A.
Other names: p.T760I:ACA>ATA; c.2258C>T, p.Thr753Ile (NM_001382394.1); c.2279C>T, p.Thr760Ile (NM_001382395.1); short protein forms T760I, T753I.
Identifiers: ClinVar variation 181537 (VCV000181537.6), dbSNP rs730881027, ClinGen allele CA297207.

ClinVar aggregate classification (germline): Uncertain significance. Review status: criteria provided, multiple submitters, no conflicts (2 of 4 stars). 3 submissions from 3 submitters: Uncertain significance (3). Last evaluated 2025-12-24.

Conditions:
RASopathy. Also called: rasopathies; Noonan spectrum disorder. Identifiers: Orphanet 536391, MedGen C5555857, MONDO:0021060.

Allele frequency attached by ClinVar (database versions not stated): gnomAD exomes below 0.00001; gnomAD 0.00001.
gnomAD v4.1: 7 of 1,613,008 alleles (0.00043%); highest among the groups gnomAD compares: African/African-American, 0.0013%; no homozygotes.

Submissions (3):

Labcorp Genetics (formerly Invitae), Labcorp
Classification: Uncertain significance for RASopathy. Last evaluated: 2025-12-24. Review status: criteria provided, single submitter. Criteria: Invitae Variant Classification Sherloc (09022015). Collection method: clinical testing. Allele origin: germline.
Comment: This sequence change replaces threonine, which is neutral and polar, with isoleucine, which is neutral and non-polar, at codon 760 of the SOS1 protein (p.Thr760Ile). This variant is not present in population databases (gnomAD no frequency). This variant has not been reported in the literature in individuals affected with SOS1-related conditions. ClinVar contains an entry for this variant (Variation ID: 181537). Invitae Evidence Modeling of protein sequence and biophysical properties (such as structural, functional, and spatial information, amino acid conservation, physicochemical variation, residue mobility, and thermodynamic stability) indicates that this missense variant is not expected to disrupt SOS1 protein function with a negative predictive value of 95%. In summary, the available evidence is currently insufficient to determine the role of this variant in disease. Therefore, it has been classified as a Variant of Uncertain Significance.

Blueprint Genetics
Classification: Uncertain significance. Last evaluated: 2024-11-15. Review status: criteria provided, single submitter. Criteria: ACMG Guidelines, 2015. Collection method: clinical testing. Allele origin: germline.

GeneDx
Classification: Uncertain significance. Last evaluated: 2023-10-12. Review status: criteria provided, single submitter. Criteria: GeneDx Variant Classification Process June 2021. Collection method: clinical testing. Allele origin: germline. Affected: yes.
Comment: Not observed at significant frequency in large population cohorts (gnomAD); Missense variants in this gene are a common cause of disease and they are underrepresented in the general population; In silico analysis supports that this missense variant does not alter protein structure/function; Has not been previously published as pathogenic or benign to our knowledge; This variant is associated with the following publications: (PMID: 29493581)